The following is an entry in ClinVar:

NM_007286.6(SYNPO):c.783G>C (p.Glu261Asp)

Gene: SYNPO (synaptopodin; plus strand). Cytogenetic location: 5q33.1.
Variant type: single nucleotide variant.
Coding change: c.783G>C on transcript NM_007286.6 (MANE Select); coding-DNA position 783, G replaced by C.
Protein change: p.Glu261Asp; replaces glutamic acid 261 with aspartic acid.
Molecular consequence: missense variant.
Genome position (GRCh38, 1-based): chr5:150,649,058, G>C. VCF-style: chr5-150649058-G-C. GRCh37 (hg19) VCF-style: chr5-150028620-G-C.
Other names: c.783G>C, p.Glu261Asp (NM_001109974.3); c.1515G>C, p.Glu505Asp (NM_001166208.2, NM_001166209.2); short protein forms E261D, E505D.
Identifiers: ClinVar variation 2163151 (VCV002163151.4), dbSNP rs144793851, ClinGen allele CA3513284.

ClinVar aggregate classification (germline): Uncertain significance (1 of 4 stars; one submission).

Allele frequency attached by ClinVar (database versions not stated): 1000 Genomes Project 0.00020; 1000 Genomes Project 30x 0.00031.
gnomAD v4.1: 348 of 1,614,090 alleles (0.022%); highest among the groups gnomAD compares: Non-Finnish European, 0.028%; no homozygotes.

Submission:

Labcorp Genetics (formerly Invitae), Labcorp
Classification: Uncertain significance. Last evaluated: 2025-10-31. Review status: criteria provided, single submitter. Criteria: Invitae Variant Classification Sherloc (09022015). Collection method: clinical testing. Allele origin: germline.
Comment: This sequence change replaces glutamic acid, which is acidic and polar, with aspartic acid, which is acidic and polar, at codon 261 of the SYNPO protein (p.Glu261Asp). This variant is present in population databases (rs144793851, gnomAD 0.02%). This variant has not been reported in the literature in individuals affected with SYNPO-related conditions. ClinVar contains an entry for this variant (Variation ID: 2163151). An algorithm developed to predict the effect of missense changes on protein structure and function (PolyPhen-2) suggests that this variant is likely to be tolerated. In summary, the available evidence is currently insufficient to determine the role of this variant in disease. Therefore, it has been classified as a Variant of Uncertain Significance.